The following is an entry in ClinVar:

NM_001846.4(COL4A2):c.2447T>A (p.Met816Lys)

Gene: COL4A2 (collagen type IV alpha 2 chain; plus strand). Cytogenetic location: 13q34.
Variant type: single nucleotide variant.
Coding change: c.2447T>A on transcript NM_001846.4 (MANE Select); coding-DNA position 2447, T replaced by A.
Protein change: p.Met816Lys; replaces methionine 816 with lysine.
Molecular consequence: missense variant.
Genome position (GRCh38, 1-based): chr13:110,478,024, T>A. VCF-style: chr13-110478024-T-A. GRCh37 (hg19) VCF-style: chr13-111130371-T-A.
Other names: short protein forms M816K.
Identifiers: ClinVar variation 1959670 (VCV001959670.5), dbSNP rs2502153482, ClinGen allele CA388725812.

ClinVar aggregate classification (germline): Uncertain significance (1 of 4 stars; one submission).

Submission:

Labcorp Genetics (formerly Invitae), Labcorp
Classification: Uncertain significance. Last evaluated: 2022-07-29. Review status: criteria provided, single submitter. Criteria: Invitae Variant Classification Sherloc (09022015). Collection method: clinical testing. Allele origin: germline.
Comment: Advanced modeling of protein sequence and biophysical properties (such as structural, functional, and spatial information, amino acid conservation, physicochemical variation, residue mobility, and thermodynamic stability) performed at Invitae indicates that this missense variant is not expected to disrupt COL4A2 protein function. In summary, the available evidence is currently insufficient to determine the role of this variant in disease. Therefore, it has been classified as a Variant of Uncertain Significance. This variant has not been reported in the literature in individuals affected with COL4A2-related conditions. This sequence change replaces methionine, which is neutral and non-polar, with lysine, which is basic and polar, at codon 816 of the COL4A2 protein (p.Met816Lys). This variant is not present in population databases (gnomAD no frequency).